The following is an entry in ClinVar:

NM_005956.4(MTHFD1):c.1096C>T (p.Arg366Trp)

Gene: MTHFD1 (methylenetetrahydrofolate dehydrogenase, cyclohydrolase and formyltetrahydrofolate synthetase 1; plus strand). Cytogenetic location: 14q23.3.
Variant type: single nucleotide variant.
Coding change: c.1096C>T on transcript NM_005956.4 (MANE Select); coding-DNA position 1096, C replaced by T.
Protein change: p.Arg366Trp; replaces arginine 366 with tryptophan.
Molecular consequence: missense variant.
Genome position (GRCh38, 1-based): chr14:64,426,161, C>T. VCF-style: chr14-64426161-C-T. GRCh37 (hg19) VCF-style: chr14-64892879-C-T.
Other names: c.1096C>T (NM_005956.3); c.1096C>T, p.Arg366Trp (NM_001364837.1); short protein forms R366W.
Identifiers: ClinVar variation 1367539 (VCV001367539.7), dbSNP rs139612806, ClinGen allele CA7226118.

ClinVar aggregate classification (germline): Uncertain significance. Review status: criteria provided, multiple submitters, no conflicts (2 of 4 stars). 3 submissions from 3 submitters: Uncertain significance (3). Last evaluated 2025-06-11.

Conditions:
Combined immunodeficiency and megaloblastic anemia with or without hyperhomocysteinemia. Also called: METHYLENETETRAHYDROFOLATE DEHYDROGENASE 1 DEFICIENCY; COMBINED IMMUNODEFICIENCY AND MEGALOBLASTIC ANEMIA. Identifiers: Orphanet 658813, MedGen C4540434, MONDO:0060611, OMIM 617780.
Neural tube defects, folate-sensitive (NTDFS). Also called: NTD, FOLATE-SENSITIVE. Identifiers: Orphanet 823, MedGen C1866558, MONDO:0011120, OMIM 601634.

Allele frequency attached by ClinVar (database versions not stated): gnomAD exomes 0.00007 and 0.00004; gnomAD 0.00009 and 0.00008; ESP Exome Variant Server 0.00023; ExAC 0.00005; TOPMed 0.00014.
gnomAD v4.1: 74 of 1,613,960 alleles (0.0046%); highest among the groups gnomAD compares: Admixed American, 0.032%; no homozygotes.

Submissions (3):

GeneDx
Classification: Uncertain significance. Last evaluated: 2025-06-11. Review status: criteria provided, single submitter. Criteria: GeneDx Variant Classification Process June 2021. Collection method: clinical testing. Allele origin: germline. Affected: yes.
Comment: In silico analysis supports that this missense variant has a deleterious effect on protein structure/function; This variant is associated with the following publications: (PMID: 28734179, 35753512)

Fulgent Genetics
Classification: Uncertain significance for Neural tube defects, folate-sensitive; Combined immunodeficiency and megaloblastic anemia with or without hyperhomocysteinemia. Last evaluated: 2024-02-06. Review status: criteria provided, single submitter. Criteria: ACMG Guidelines, 2015. Collection method: clinical testing. Allele origin: germline.

Labcorp Genetics (formerly Invitae), Labcorp
Classification: Uncertain significance. Last evaluated: 2022-07-16. Review status: criteria provided, single submitter. Criteria: Invitae Variant Classification Sherloc (09022015). Collection method: clinical testing. Allele origin: germline.
Comment: This sequence change replaces arginine, which is basic and polar, with tryptophan, which is neutral and slightly polar, at codon 366 of the MTHFD1 protein (p.Arg366Trp). This variant is present in population databases (rs139612806, gnomAD 0.03%). This variant has not been reported in the literature in individuals affected with MTHFD1-related conditions. ClinVar contains an entry for this variant (Variation ID: 1367539). Algorithms developed to predict the effect of missense changes on protein structure and function are either unavailable or do not agree on the potential impact of this missense change (SIFT: "Deleterious"; PolyPhen-2: "Benign"; Align-GVGD: "Class C0"). In summary, the available evidence is currently insufficient to determine the role of this variant in disease. Therefore, it has been classified as a Variant of Uncertain Significance.